The following is an entry in ClinVar:

ClinVar aggregate classification (germline): Uncertain significance. Review status: criteria provided, multiple submitters, no conflicts (2 of 4 stars). 2 submissions from 2 submitters: Uncertain significance (2). Last evaluated 2020-02-07.

Allele frequency attached by ClinVar (database versions not stated): gnomAD exomes 0.00001; gnomAD 0.00003 and 0.00004; TOPMed 0.00003; ExAC 0.00001.
gnomAD v4.1: 26 of 1,611,858 alleles (0.0016%); highest among the groups gnomAD compares: Middle Eastern, 0.019%; no homozygotes.

Submissions (2):

GeneDx
Classification: Uncertain significance. Last evaluated: 2020-02-07. Review status: criteria provided, single submitter. Criteria: GeneDx Variant Classification Process June 2021. Collection method: clinical testing. Allele origin: germline. Affected: yes.
Comment: Has not been previously published as pathogenic or benign to our knowledge; Not observed at a significant frequency in large population cohorts (Lek et al., 2016); In silico analysis supports that this missense variant does not alter protein structure/function

Biesecker Lab/Clinical Genomics Section, National Institutes of Health
Classification: Uncertain significance. Last evaluated: 2013-06-24. Review status: criteria provided, single submitter. Criteria: Ng et al. (Circ Cardiovasc Genet. 2013). Collection method: research. Allele origin: unknown. Observed: 1 variant allele. Study: ClinSeq.
Comment: The study set was not selected for affection status in relation to any cancer. Pathogenicity categories were based on literature curation. See Pubmed ID:23861362 for details.

Medical sequencing

NM_001032283.3(TMPO):c.887A>G (p.Asn296Ser)

Gene: TMPO (thymopoietin; plus strand). Cytogenetic location: 12q23.1.
Variant type: single nucleotide variant.
Coding change: c.887A>G on transcript NM_001032283.3 (MANE Select); coding-DNA position 887, A replaced by G.
Protein change: p.Asn296Ser; replaces asparagine 296 with serine.
Molecular consequence: missense variant. On other transcripts: intron variant (1).
Genome position (GRCh38, 1-based): chr12:98,544,958, A>G. VCF-style: chr12-98544958-A-G. GRCh37 (hg19) VCF-style: chr12-98938736-A-G.
Other names: c.767A>G, p.Asn256Ser (NM_001307975.2); c.664-1401A>G (NM_001032284.3); short protein forms N296S, N256S.
Identifiers: ClinVar variation 191796 (VCV000191796.3), dbSNP rs771589075, ClinGen allele CA237574.
Genomic context (GRCh38, chr12:98,544,958, plus strand): 5'-TGTCTGTGTTATGTTTGGATAATTCTGAGTCTGAATAATTTGAATCTTGGCAGGTTGTCA[A>G]TAGGGTGACTGGAAATTTCAAGCATGCATCTCCTATTCTGCCAATCACTGAATTCTCAGA-3'
Protein context (NP_001027454.1, residues 286-306): MASSNESLVV[Asn296Ser]RVTGNFKHAS